The following is an entry in ClinVar:

NM_003924.4(PHOX2B):c.319A>G (p.Ser107Gly)

Gene: PHOX2B (paired like homeobox 2B; minus strand). Cytogenetic location: 4p13.
Variant type: single nucleotide variant.
Coding change: c.319A>G on transcript NM_003924.4 (MANE Select); coding-DNA position 319, A replaced by G.
Protein change: p.Ser107Gly; replaces serine 107 with glycine.
Molecular consequence: missense variant.
Genome position (GRCh38, 1-based): chr4:41,747,459, T>C on the plus strand (A>G on the coding strand, the complement: PHOX2B is on the minus strand). VCF-style: chr4-41747459-T-C. GRCh37 (hg19) VCF-style: chr4-41749476-T-C.
Other names: short protein forms S107G.
Identifiers: ClinVar variation 837157 (VCV000837157.10), dbSNP rs762806075, ClinGen allele CA356740320.

ClinVar aggregate classification (germline): Uncertain significance. Review status: criteria provided, multiple submitters, no conflicts (2 of 4 stars). 2 submissions from 2 submitters: Uncertain significance (2). Last evaluated 2024-08-21.

Conditions:
Haddad syndrome (OHD). Also called: Ondine-Hirschsprung disease. Identifiers: Orphanet 99803, MedGen C1859049, MONDO:0020493.
Hereditary cancer-predisposing syndrome. Also called: Hereditary neoplastic syndrome; Neoplastic Syndromes, Hereditary; Tumor predisposition; Hereditary Cancer Syndrome. Identifiers: Orphanet 140162, MedGen C0027672, MeSH D009386, MONDO:0015356.

Submissions (2):

Ambry Genetics
Classification: Uncertain significance for Hereditary cancer-predisposing syndrome. Last evaluated: 2024-08-21. Review status: criteria provided, single submitter. Criteria: Ambry Variant Classification Scheme 2023. Collection method: clinical testing. Allele origin: germline.
Comment: The p.S107G variant (also known as c.319A>G), located in coding exon 2 of the PHOX2B gene, results from an A to G substitution at nucleotide position 319. The serine at codon 107 is replaced by glycine, an amino acid with similar properties. This amino acid position is conserved. In addition, the in silico prediction for this alteration is inconclusive. Based on the available evidence, the clinical significance of this variant remains unclear.

Labcorp Genetics (formerly Invitae), Labcorp
Classification: Uncertain significance for Haddad syndrome. Last evaluated: 2022-06-14. Review status: criteria provided, single submitter. Criteria: Invitae Variant Classification Sherloc (09022015). Collection method: clinical testing. Allele origin: germline.
Comment: This sequence change replaces serine, which is neutral and polar, with glycine, which is neutral and non-polar, at codon 107 of the PHOX2B protein (p.Ser107Gly). This variant is not present in population databases (gnomAD no frequency). This variant has not been reported in the literature in individuals affected with PHOX2B-related conditions. ClinVar contains an entry for this variant (Variation ID: 837157). Algorithms developed to predict the effect of missense changes on protein structure and function (SIFT, PolyPhen-2, Align-GVGD) all suggest that this variant is likely to be disruptive. In summary, the available evidence is currently insufficient to determine the role of this variant in disease. Therefore, it has been classified as a Variant of Uncertain Significance.